The following is an entry in ClinVar:

ClinVar aggregate classification (germline): Likely benign. Review status: criteria provided, multiple submitters, no conflicts (2 of 4 stars). 2 submissions from 2 submitters: Likely benign (2). Last evaluated 2021-07-27.

Conditions:
Cortical dysplasia-focal epilepsy syndrome (PTHSL1). Also called: Pitt-Hopkins-like syndrome 1. Identifiers: Orphanet 163681, Orphanet 221150, MedGen C2750246, MONDO:0012400, OMIM 610042.

Allele frequency attached by ClinVar (database versions not stated): gnomAD 0.00002; TOPMed 0.00002.

Submissions (2):

Labcorp Genetics (formerly Invitae), Labcorp
Classification: Likely benign for Cortical dysplasia-focal epilepsy syndrome. Last evaluated: 2021-07-27. Review status: criteria provided, single submitter. Criteria: Invitae Variant Classification Sherloc (09022015). Collection method: clinical testing. Allele origin: germline.

GeneDx
Classification: Likely benign. Last evaluated: 2017-07-13. Review status: criteria provided, single submitter. Criteria: GeneDx Variant Classification (06012015). Collection method: clinical testing. Allele origin: germline. Affected: yes.
Comment: This variant is considered likely benign or benign based on one or more of the following criteria: it is a conservative change, it occurs at a poorly conserved position in the protein, it is predicted to be benign by multiple in silico algorithms, and/or has population frequency not consistent with disease.

NM_014141.6(CNTNAP2):c.2295G>A (p.Leu765=)

Gene: CNTNAP2 (contactin associated protein 2; plus strand). Cytogenetic location: 7q35.
Variant type: single nucleotide variant.
Coding change: c.2295G>A on transcript NM_014141.6 (MANE Select); coding-DNA position 2295, G replaced by A.
Protein change: p.Leu765=; no amino-acid change (leucine 765 retained).
Molecular consequence: synonymous variant.
Genome position (GRCh38, 1-based): chr7:147,977,901, G>A. VCF-style: chr7-147977901-G-A. GRCh37 (hg19) VCF-style: chr7-147674993-G-A.
Identifiers: ClinVar variation 510771 (VCV000510771.9), dbSNP rs985931303, ClinGen allele CA168795668.